The following is an entry in ClinVar:

ClinVar aggregate classification (germline): Uncertain significance (1 of 4 stars; one submission).

Conditions:
Epileptic encephalopathy. Identifiers: MedGen C0543888, HP:0200134.

Allele frequency attached by ClinVar (database versions not stated): gnomAD 0.00001; gnomAD exomes 0.00001; ExAC 0.00002; TOPMed 0.00002.
gnomAD v4.1: 14 of 1,608,766 alleles (0.00087%); highest among the groups gnomAD compares: Non-Finnish European, 0.0012%; no homozygotes.

Submission:

Labcorp Genetics (formerly Invitae), Labcorp
Classification: Uncertain significance for Epileptic encephalopathy. Last evaluated: 2023-09-20. Review status: criteria provided, single submitter. Criteria: Invitae Variant Classification Sherloc (09022015). Collection method: clinical testing. Allele origin: germline.
Comment: This variant is present in population databases (rs748785221, gnomAD 0.005%). In summary, the available evidence is currently insufficient to determine the role of this variant in disease. Therefore, it has been classified as a Variant of Uncertain Significance. An algorithm developed to predict the effect of missense changes on protein structure and function (PolyPhen-2) suggests that this variant is likely to be disruptive. ClinVar contains an entry for this variant (Variation ID: 1939773). This variant has not been reported in the literature in individuals affected with FASN-related conditions. This sequence change replaces alanine, which is neutral and non-polar, with threonine, which is neutral and polar, at codon 1926 of the FASN protein (p.Ala1926Thr).

NM_004104.5(FASN):c.5776G>A (p.Ala1926Thr)

Gene: FASN (fatty acid synthase; minus strand). Cytogenetic location: 17q25.3.
Variant type: single nucleotide variant.
Coding change: c.5776G>A on transcript NM_004104.5 (MANE Select); coding-DNA position 5776, G replaced by A.
Protein change: p.Ala1926Thr; replaces alanine 1926 with threonine.
Molecular consequence: missense variant.
Genome position (GRCh38, 1-based): chr17:82,082,670, C>T on the plus strand (G>A on the coding strand, the complement: FASN is on the minus strand). VCF-style: chr17-82082670-C-T. GRCh37 (hg19) VCF-style: chr17-80040546-C-T.
Other names: short protein forms A1926T.
Identifiers: ClinVar variation 1939773 (VCV001939773.5), dbSNP rs748785221, ClinGen allele CA8851547.
Genomic context (GRCh38, chr17:82,082,670, plus strand): 5'-TGTTGCTGGTGGACACCTGCACCTGTACGCCCTGGCGCCTCCACCGGCGGACCTGCTTGG[C>T]CTGGTAGCCTGCGGGACACAGGACTGTGGGCTGGACTGGGCCAGGGTACGGTCTCTTCCC-3'
Protein context (NP_004095.4, residues 1916-1936): SRSGIRTGYQ[Ala1926Thr]KQVRRWRRQG